The following is an entry in ClinVar:

NM_203446.3(SYNJ1):c.*411C>G

Gene: SYNJ1 (synaptojanin 1; minus strand). Cytogenetic location: 21q22.11.
Variant type: single nucleotide variant.
Coding change: c.*411C>G on transcript NM_203446.3 (MANE Select); 411 bases downstream of the stop codon, C replaced by G.
Molecular consequence: 3 prime UTR variant. On other transcripts: missense variant (2).
Genome position (GRCh38, 1-based): chr21:32,631,394, G>C on the plus strand (C>G on the coding strand, the complement: SYNJ1 is on the minus strand). VCF-style: chr21-32631394-G-C. GRCh37 (hg19) VCF-style: chr21-34003704-G-C.
Other names: p.Phe1480Leu; c.*411C>G (NM_001160302.2); c.4182C>G, p.Phe1394Leu (NM_001160306.2); c.4440C>G, p.Phe1480Leu (NM_003895.4); short protein forms F1480L, F1394L.
Identifiers: ClinVar variation 4542405 (VCV004542405.1).

ClinVar aggregate classification (germline): Uncertain significance (1 of 4 stars; one submission).

Submission:

Mayo Clinic Laboratories, Mayo Clinic
Classification: Uncertain significance. Last evaluated: 2025-11-02. Review status: criteria provided, single submitter. Criteria: ACMG Guidelines, 2015. Collection method: clinical testing. Allele origin: germline. Observed: 1 variant allele.
Comment: BP4_moderate, PM2_supporting